The following is an entry in ClinVar:

NM_004006.3(DMD):c.2405A>G (p.Lys802Arg)

Gene: DMD (dystrophin; minus strand). Cytogenetic location: Xp21.1.
Variant type: single nucleotide variant.
Coding change: c.2405A>G on transcript NM_004006.3 (MANE Select); coding-DNA position 2405, A replaced by G.
Protein change: p.Lys802Arg; replaces lysine 802 with arginine.
Molecular consequence: missense variant.
Genome position (GRCh38, 1-based): chrX:32,491,494, T>C on the plus strand (A>G on the coding strand, the complement: DMD is on the minus strand). VCF-style: chrX-32491494-T-C. GRCh37 (hg19) VCF-style: chrX-32509611-T-C.
Other names: c.2381A>G, p.Lys794Arg (NM_000109.4); c.2393A>G, p.Lys798Arg (NM_004009.3); c.2036A>G, p.Lys679Arg (NM_004010.3); short protein forms K679R, K794R, K798R, K802R.
Identifiers: ClinVar variation 1714424 (VCV001714424.6), dbSNP rs2525056371, ClinGen allele CA412672924.

ClinVar aggregate classification (germline): Uncertain significance (1 of 4 stars; one submission).

Conditions:
Duchenne muscular dystrophy (DMD). Also called: MUSCULAR DYSTROPHY, PSEUDOHYPERTROPHIC PROGRESSIVE, DUCHENNE TYPE; Duchenne Muscular Dystrophy (DMD). Identifiers: Orphanet 98896, MedGen C0013264, MONDO:0010679, OMIM 310200.

Submission:

Labcorp Genetics (formerly Invitae), Labcorp
Classification: Uncertain significance for Duchenne muscular dystrophy. Last evaluated: 2022-11-22. Review status: criteria provided, single submitter. Criteria: Invitae Variant Classification Sherloc (09022015). Collection method: clinical testing. Allele origin: germline.
Comment: In summary, the available evidence is currently insufficient to determine the role of this variant in disease. Therefore, it has been classified as a Variant of Uncertain Significance. Advanced modeling of protein sequence and biophysical properties (such as structural, functional, and spatial information, amino acid conservation, physicochemical variation, residue mobility, and thermodynamic stability) performed at Invitae indicates that this missense variant is not expected to disrupt DMD protein function. This variant has not been reported in the literature in individuals affected with DMD-related conditions. This variant is not present in population databases (gnomAD no frequency). This sequence change replaces lysine, which is basic and polar, with arginine, which is basic and polar, at codon 802 of the DMD protein (p.Lys802Arg).